The following is an entry in ClinVar:

NM_001378189.1(CFAP57):c.2968C>T (p.Arg990Ter)

Genes: CFAP57 (cilia and flagella associated protein 57; plus strand), EBNA1BP2 (EBNA1 binding protein 2; minus strand), LOC105378685 (uncharacterized LOC105378685; minus strand). Cytogenetic location: 1p34.2.
Variant type: single nucleotide variant.
Coding change: c.2968C>T on transcript NM_001378189.1 (MANE Select); coding-DNA position 2968, C replaced by T.
Protein change: p.Arg990Ter; replaces arginine 990 with a stop codon.
Molecular consequence: nonsense.
Genome position (GRCh38, 1-based): chr1:43,227,085, C>T. VCF-style: chr1-43227085-C-T. GRCh37 (hg19) VCF-style: chr1-43692756-C-T.
Other names: c.2968C>T, p.Arg990Ter (NM_001195831.3); short protein forms R990*.
Identifiers: ClinVar variation 4987081 (VCV004987081.1).

ClinVar aggregate classification (germline): Uncertain significance (1 of 4 stars; one submission).

Conditions:
CFAP57-related disorder. Also called: CFAP57-related condition.

gnomAD v4.1: 8 of 1,543,712 alleles (0.00052%); highest among the groups gnomAD compares: East Asian, 0.0025%; no homozygotes.

Submission:

PreventionGenetics, part of Exact Sciences
Classification: Uncertain significance for CFAP57-related condition. Last evaluated: 2025-12-23. Review status: criteria provided, single submitter. Criteria: ACMG Guidelines, 2015. Collection method: clinical testing. Allele origin: germline.
Comment: The CFAP57 c.2968C>T variant is predicted to result in premature protein termination (p.Arg990*). To our knowledge, this variant has not been reported in the literature. This variant is reported in 0.0046% of alleles in individuals of South Asian descent in gnomAD. Loss of function is not an established mechanism of CFAP57-related disease. At this time, the clinical significance of this variant is uncertain due to the absence of conclusive functional and genetic evidence.